The following is an entry in ClinVar:

ClinVar aggregate classification (germline): Uncertain significance (1 of 4 stars; one submission).

Conditions:
Adenylosuccinate lyase deficiency (ADSLD). Also called: ADSL DEFICIENCY. Identifiers: Orphanet 46, MedGen C0268126, MONDO:0007068, OMIM 103050.

Allele frequency attached by ClinVar (database versions not stated): gnomAD 0.00001; 1000 Genomes Project 30x 0.00016; 1000 Genomes Project 0.00080.

Submission:

Labcorp Genetics (formerly Invitae), Labcorp
Classification: Uncertain significance for Adenylosuccinate lyase deficiency. Last evaluated: 2022-05-20. Review status: criteria provided, single submitter. Criteria: Invitae Variant Classification Sherloc (09022015). Collection method: clinical testing. Allele origin: germline.
Comment: This variant occurs in a non-coding region of the ADSL gene. It does not change the encoded amino acid sequence of the ADSL protein. This variant is not present in population databases (gnomAD no frequency). This variant has not been reported in the literature in individuals affected with ADSL-related conditions. Experimental studies and prediction algorithms are not available or were not evaluated, and the functional significance of this variant is currently unknown. In summary, the available evidence is currently insufficient to determine the role of this variant in disease. Therefore, it has been classified as a Variant of Uncertain Significance.

NC_000022.11:g.40346052A>C

Gene: ADSL (adenylosuccinate lyase; plus strand). Cytogenetic location: 22q13.1.
Variant type: single nucleotide variant.
Genome position: GRCh38 VCF-style: chr22-40346052-A-C. GRCh37 (hg19) VCF-style: chr22-40742056-A-C.
Identifiers: ClinVar variation 2050224 (VCV002050224.2), dbSNP rs529982261, ClinGen allele CA324446510.